The following is an entry in ClinVar:

NM_005996.4(TBX3):c.-895TC[22]

Genes: TBX3 (T-box transcription factor 3; minus strand), TBX3-AS1 (TBX3 antisense RNA 1; plus strand). Cytogenetic location: 12q24.21.
Variant type: Microsatellite.
Coding change: c.-895TC[22] on transcript NM_005996.4 (MANE Select); 22 copies in a row of the 2-base unit TC starting at c.-895; the reference has 12 copies in a row; ten copies, 20 bases duplicated.
Molecular consequence: 5 prime UTR variant.
Genome position (GRCh38, 1-based): chr12:114,684,072-114,684,091, GAGAGAGAGAGAGAGAGAGA duplicated on the plus strand (TCTCTCTCTCTCTCTCTCTC on the coding strand, the reverse complement: TBX3 is on the minus strand); duplicating any 20 consecutive bases within chr12:114,684,072-114,684,095 gives the same sequence; the position shown is the placement nearest the transcript's 3' end. VCF-style (leftmost placement, unchanged base first): chr12-114684071-G-GGAGAGAGAGAGAGAGAGAGA. GRCh37 (hg19) VCF-style: chr12-115121876-G-GGAGAGAGAGAGAGAGAGAGA.
Other names: c.-895TC[22] (NM_016569.4).
Identifiers: ClinVar variation 3353682 (VCV003353682.1).

ClinVar aggregate classification (germline): Likely benign (0 of 4 stars; one submission).

Conditions:
TBX3-related disorder. Also called: TBX3-related condition.

Submission:

PreventionGenetics, part of Exact Sciences
Classification: Likely benign for TBX3-related condition. Last evaluated: 2023-08-09. Review status: no assertion criteria provided. Collection method: clinical testing. Allele origin: germline.
Comment: This variant is classified as likely benign based on ACMG/AMP sequence variant interpretation guidelines (Richards et al. 2015 PMID: 25741868, with internal and published modifications).